The following is an entry in ClinVar:

NM_018062.4(FANCL):c.1092G>A (p.Lys364=)

Gene: FANCL (FA complementation group L; minus strand). Cytogenetic location: 2p16.1.
Variant type: single nucleotide variant.
Coding change: c.1092G>A on transcript NM_018062.4 (MANE Select); coding-DNA position 1092, G replaced by A.
Protein change: p.Lys364=; no amino-acid change (lysine 364 retained).
Molecular consequence: synonymous variant.
Genome position (GRCh38, 1-based): chr2:58,160,108, C>T on the plus strand (G>A on the coding strand, the complement: FANCL is on the minus strand). VCF-style: chr2-58160108-C-T. GRCh37 (hg19) VCF-style: chr2-58387243-C-T.
Other names: c.1107G>A, p.Lys369= (NM_001114636.2); c.1137G>A, p.Lys379= (NM_001374615.1); c.1152G>A, p.Lys384= (NM_001410792.1).
Identifiers: ClinVar variation 929823 (VCV000929823.17), dbSNP rs577063114, ClinGen allele CA1670313.
Genomic context (GRCh38, chr2:58,160,108, plus strand): 5'-CTAGAACATATTACTGAAAGCTAGGCACATTTTATGAGATGTGATTAACAATTTGCTTAC[C>T]TTACTACAATATGGACATTCACCAAATATGATGTTAAAACTCTGTCTACTAGTTAGTAGT-3'
Protein context (NP_060532.2, residues 354-374): IIFGECPYCS[Lys364=]PITLKMSGRK

ClinVar aggregate classification (germline): Pathogenic. Review status: criteria provided, multiple submitters, no conflicts (2 of 4 stars). 9 submissions from 9 submitters: Pathogenic (8). 1 of the submissions does not count toward it. Last evaluated 2026-01-24.

Conditions:
Fanconi anemia complementation group L (FANCL). Also called: FANCL-Related Fanconi Anemia. Identifiers: Orphanet 84, MedGen C3469528, MONDO:0013566, OMIM 614083.
Fanconi anemia (FA). Also called: Fanconi's anemia. Identifiers: Orphanet 84, MedGen C0015625, MeSH D005199, MONDO:0019391.

Allele frequency attached by ClinVar (database versions not stated): 1000 Genomes Project below 0.00001; gnomAD exomes 0.00001 and 0.00002; ExAC 0.00002.

Submissions (9):

Labcorp Genetics (formerly Invitae), Labcorp
Classification: Pathogenic for Fanconi anemia. Last evaluated: 2026-01-24. Review status: criteria provided, single submitter. Criteria: Invitae Variant Classification Sherloc (09022015). Collection method: clinical testing. Allele origin: germline.
Comment: This sequence change affects codon 364 of the FANCL mRNA. It is a 'silent' change, meaning that it does not change the encoded amino acid sequence of the FANCL protein. RNA analysis indicates that this variant induces altered splicing and likely results in a shortened protein product. This variant is present in population databases (rs577063114, gnomAD 0.02%). This variant has been observed in individuals with Fanconi anemia (PMID: 23613520, 31513304). ClinVar contains an entry for this variant (Variation ID: 929823). Variants that disrupt the consensus splice site are a relatively common cause of aberrant splicing (PMID: 17576681, 9536098). Studies have shown that this variant results in skipping of exon 13, but is expected to preserve the integrity of the reading-frame (PMID: 23613520, 31513304). For these reasons, this variant has been classified as Pathogenic.

Victorian Clinical Genetics Services, Murdoch Childrens Research Institute
Classification: Pathogenic for Fanconi anemia complementation group L. Last evaluated: 2024-10-08. Review status: criteria provided, single submitter. Criteria: ACMG Guidelines, 2015. Collection method: clinical testing. Allele origin: germline. Inheritance: Autosomal recessive inheritance. Affected: yes.
Comment: Based on the classification scheme VCGS_Germline_v1.3.4, this variant is classified as Pathogenic. Following criteria are met: 0102 - Loss of function is a known mechanism of disease in this gene and is associated with Fanconi anaemia, complementation group L (MIM#614083). (I) 0106 - This gene is associated with autosomal recessive disease. (I) 0115 - Variants in this gene are known to have variable expressivity (OMIM, PMID: 31513304). (I) 0210 - Splice site variant proven to affect splicing of the transcript with a known effect on protein sequence. Exon 13 skipping has been shown by cDNA analysis using samples from individuals with this variant (PMIDs: 36894310, 31513304, 23613520). (SP) 0251 - This variant is heterozygous. (I) 0304 - Variant is present in gnomAD <0.01 for a recessive condition (v2: 5 heterozygotes, 0 homozygotes). (SP) 0801 - This variant has strong previous evidence of pathogenicity in unrelated individuals. It has been reported as homozygous or compound heterozygous in many individuals with Fanconi anaemia (PMIDs: 36894310, 31513304, 23613520, 33960719). This variant has been reported as a founder variant in the South Asian population (PMID: 31513304). It has also been reported as pathogenic by multiple clinical testing laboratories (ClinVar). (SP) 1208 - Inheritance information for this variant is not currently available in this individual. (I) Legend: (SP) - Supporting pathogenic, (I) - Information, (SB) - Supporting benign

Fulgent Genetics
Classification: Pathogenic for Fanconi anemia complementation group L. Last evaluated: 2024-04-11. Review status: criteria provided, single submitter. Criteria: ACMG Guidelines, 2015. Collection method: clinical testing. Allele origin: germline.

Baylor Genetics
Classification: Pathogenic for Fanconi anemia complementation group L. Last evaluated: 2023-10-11. Review status: criteria provided, single submitter. Criteria: ACMG Guidelines, 2015. Collection method: clinical testing. Allele origin: unknown.

Revvity Omics, Revvity
Classification: Pathogenic for Fanconi anemia complementation group L. Last evaluated: 2023-07-06. Review status: criteria provided, single submitter. Criteria: ACMG Guidelines, 2015. Collection method: clinical testing. Allele origin: germline.

Women's Health and Genetics/Laboratory Corporation of America, LabCorp
Classification: Pathogenic for Fanconi anemia. Last evaluated: 2023-06-08. Review status: criteria provided, single submitter. Criteria: LabCorp Variant Classification Summary - May 2015. Collection method: clinical testing. Allele origin: germline.
Comment: Variant summary: FANCL c.1092G>A (p.Lys364Lys) alters a conserved nucleotide located close to a canonical splice site and therefore could affect mRNA splicing, leading to a significantly altered protein sequence. Several computational tools predict a significant impact on normal splicing: Two predict the variant weakens the canonical 5' donor site. Experimental evidence supports this variant alters mRNA splicing and likely results in a shortened protein product (examples: Chandrasekharappa_2013 and Donovan_2020). The variant allele was found at a frequency of 2e-05 in 250742 control chromosomes (gnomAD). c.1092G>A has been reported in the literature in multiple bi-allelic individuals affected with Fanconi Anemia (examples: Chandrasekharappa_2013 and Donovan_2020). These data indicate that the variant is very likely to be associated with disease. At least one publication reports experimental evidence evaluating an impact on protein function. One study demonstrated monoubiquitinated long-form of FANCD2 protein was undetectable in cells derived from an individual homozygous for this variant and had increased levels of G2/M phase accumulation, confirming that the variant results in a FA cellular phenotype (Donovan_2020). The following publications have been ascertained in the context of this evaluation (PMID: 23613520, 31513304). Two clinical diagnostic laboratories have submitted clinical-significance assessments for this variant to ClinVar after 2014 and classified the variant as pathogenic. Based on the evidence outlined above, the variant was classified as pathogenic.

Kasturba Medical College, Manipal, Kasturba Medical College, Manipal, Manipal Academy of Higher Education, Manipal, India
Classification: Pathogenic for Fanconi anemia complementation group L. Review status: criteria provided, single submitter. Criteria: ACMG Guidelines, 2015. Collection method: research. Allele origin: biparental. Inheritance: Autosomal recessive inheritance. Affected: yes. Observed: 1 homozygote.
Comment: This variant is absent in homozygous state in population database gnomAD (v4.0.0) and in-house database of 3165 exomes. Previously, the c.1092G>A variant is shown to cause aberrant splicing by skipping of exon 13 and thus damaging to FANCL protein function (Chandrasekharappa et al., 2013, Denovan et al., 2020).

Neuberg Centre For Genomic Medicine, NCGM
Classification: Pathogenic for Fanconi anemia complementation group L. Review status: criteria provided, single submitter. Criteria: ACMG Guidelines, 2015. Collection method: clinical testing. Allele origin: germline. Inheritance: Autosomal recessive inheritance. Affected: yes.
Comment: The synonymous variant p.K364= in FANCL (NM_018062.3) has been reported previously in homozygous or compound heterozygous states in patients with Fanconi anemia. It is a Founder variant in the South Asian population and is responsible for high number of fanconi anemia cases in India (Donovan FX et al). The variant has been submitted to ClinVar as Pathogenic. Functional studies demonstrate aberrant splicing. The p.K364= variant is observed in 5/30,596 (0.0163%) alleles from individuals of South Asian background in gnomAD Exomes and is novel (not in any individuals) in 1000 Genomes. The nucleotide c.1092 in FANCL is predicted conserved by GERP++ and PhyloP across 100 vertebrates. For these reasons, this variant has been classified as Pathogenic.

Leiden Open Variation Database
Classification: Pathogenic for Fanconi anemia complementation group L. Last evaluated: 2014-10-05. Review status: no assertion criteria provided. Collection method: curation. Allele origin: germline. Affected: yes. Not counted in ClinVar's aggregate classification.
Comment: Curator: Arleen D. Auerbach. Submitter to LOVD: Arleen D. Auerbach.

Literature cited by the submitters: PubMed 23613520 (cited by 5 submitters); PubMed 31513304 (cited by 4 submitters); PubMed 17576681 (cited by Labcorp Genetics (formerly Invitae), Labcorp); PubMed 9536098 (cited by Labcorp Genetics (formerly Invitae), Labcorp); PubMed 33960719 (cited by Victorian Clinical Genetics Services, Murdoch Childrens Research Institute); PubMed 36894310 (cited by Victorian Clinical Genetics Services, Murdoch Childrens Research Institute).